The following is an entry in ClinVar:

ClinVar aggregate classification (germline): Likely benign. Review status: criteria provided, single submitter (1 of 4 stars). 2 submissions from 2 submitters: Likely benign (1). 1 of the submissions does not count toward it. Last evaluated 2024-07-15.

Conditions:
OBSL1-related disorder. Also called: OBSL1-related condition.

Allele frequency attached by ClinVar (database versions not stated): ExAC 0.00007; gnomAD exomes 0.00018; gnomAD 0.00058; TOPMed 0.00116; 1000 Genomes Project 0.00120; 1000 Genomes Project 30x 0.00141.
gnomAD v4.1: 225 of 717,514 alleles (0.031%); highest among the groups gnomAD compares: Admixed American, 0.19%; 2 homozygotes.

Submissions (2):

Blueprint Genetics
Classification: Likely benign. Last evaluated: 2024-07-15. Review status: criteria provided, single submitter. Criteria: ACMG Guidelines, 2015. Collection method: clinical testing. Allele origin: germline.

PreventionGenetics, part of Exact Sciences
Classification: Likely benign for OBSL1-related condition. Last evaluated: 2019-03-12. Review status: no assertion criteria provided. Collection method: clinical testing. Allele origin: germline. Not counted in ClinVar's aggregate classification.
Comment: This variant is classified as likely benign based on ACMG/AMP sequence variant interpretation guidelines (Richards et al. 2015 PMID: 25741868, with internal and published modifications).

NM_015311.3(OBSL1):c.2953+485C>T

Gene: OBSL1 (obscurin like cytoskeletal adaptor 1; minus strand). Cytogenetic location: 2q35.
Variant type: single nucleotide variant.
Coding change: c.2953+485C>T on transcript NM_015311.3 (MANE Select); 485 bases into the intron after coding-DNA position 2953, C replaced by T.
Molecular consequence: intron variant. On other transcripts: synonymous variant (1).
Genome position (GRCh38, 1-based): chr2:219,561,917, G>A on the plus strand (C>T on the coding strand, the complement: OBSL1 is on the minus strand). VCF-style: chr2-219561917-G-A. GRCh37 (hg19) VCF-style: chr2-220426639-G-A.
Other names: c.3045C>T, p.Phe1015= (NM_001173408.2); c.2953+485C>T (NM_001173431.2).
Identifiers: ClinVar variation 3033515 (VCV003033515.3), dbSNP rs570788506, ClinGen allele CA2131024.